The following is an entry in ClinVar:

NM_006258.4(PRKG1):c.643A>G (p.Ile215Val)

Gene: PRKG1 (protein kinase cGMP-dependent 1; plus strand). Cytogenetic location: 10q21.1.
Variant type: single nucleotide variant.
Coding change: c.643A>G on transcript NM_006258.4 (MANE Select); coding-DNA position 643, A replaced by G.
Protein change: p.Ile215Val; replaces isoleucine 215 with valine.
Molecular consequence: missense variant.
Genome position (GRCh38, 1-based): chr10:51,804,635, A>G. VCF-style: chr10-51804635-A-G. GRCh37 (hg19) VCF-style: chr10-53564395-A-G.
Other names: c.598A>G, p.Ile200Val (NM_001098512.3); c.643A>G, p.Ile215Val (NM_001374782.1); short protein forms I200V, I215V.
Identifiers: ClinVar variation 1753521 (VCV001753521.5), dbSNP rs1466670458, ClinGen allele CA376530926.

ClinVar aggregate classification (germline): Uncertain significance. Review status: criteria provided, multiple submitters, no conflicts (2 of 4 stars). 2 submissions from 2 submitters: Uncertain significance (2). Last evaluated 2022-10-08.

Conditions:
Aortic aneurysm, familial thoracic 8 (AAT8). Identifiers: MedGen C3809513, MONDO:0014187, OMIM 615436.
Familial thoracic aortic aneurysm and aortic dissection (TAAD). Also called: Thoracic aortic aneurysms and dissections. Identifiers: Orphanet 91387, MedGen C4707243, MONDO:0019625.

Allele frequency attached by ClinVar (database versions not stated): gnomAD exomes below 0.00001; TOPMed 0.00001.
gnomAD v4.1: 3 of 1,604,992 alleles (0.00019%); highest among the groups gnomAD compares: African/African-American, 0.0013%; no homozygotes.

Submissions (2):

Labcorp Genetics (formerly Invitae), Labcorp
Classification: Uncertain significance for Aortic aneurysm, familial thoracic 8. Last evaluated: 2022-10-08. Review status: criteria provided, single submitter. Criteria: Invitae Variant Classification Sherloc (09022015). Collection method: clinical testing. Allele origin: germline.
Comment: In summary, the available evidence is currently insufficient to determine the role of this variant in disease. Therefore, it has been classified as a Variant of Uncertain Significance. Algorithms developed to predict the effect of missense changes on protein structure and function (SIFT, PolyPhen-2, Align-GVGD) all suggest that this variant is likely to be tolerated. This variant has not been reported in the literature in individuals affected with PRKG1-related conditions. This variant is present in population databases (no rsID available, gnomAD 0.007%). This sequence change replaces isoleucine, which is neutral and non-polar, with valine, which is neutral and non-polar, at codon 215 of the PRKG1 protein (p.Ile215Val).

Ambry Genetics
Classification: Uncertain significance for Familial thoracic aortic aneurysm and aortic dissection. Last evaluated: 2021-11-22. Review status: criteria provided, single submitter. Criteria: Ambry Variant Classification Scheme 2023. Collection method: clinical testing. Allele origin: germline.
Comment: The p.I215V variant (also known as c.643A>G), located in coding exon 4 of the PRKG1 gene, results from an A to G substitution at nucleotide position 643. The isoleucine at codon 215 is replaced by valine, an amino acid with highly similar properties. This amino acid position is conserved. In addition, the in silico prediction for this alteration is inconclusive. Since supporting evidence is limited at this time, the clinical significance of this alteration remains unclear.